The following is an entry in ClinVar:

NM_052947.4(ALPK2):c.110G>T (p.Gly37Val)

Gene: ALPK2 (alpha kinase 2; minus strand). Cytogenetic location: 18q21.32.
Variant type: single nucleotide variant.
Coding change: c.110G>T on transcript NM_052947.4 (MANE Select); coding-DNA position 110, G replaced by T.
Protein change: p.Gly37Val; replaces glycine 37 with valine.
Molecular consequence: missense variant.
Genome position (GRCh38, 1-based): chr18:58,607,439, C>A on the plus strand (G>T on the coding strand, the complement: ALPK2 is on the minus strand). VCF-style: chr18-58607439-C-A. GRCh37 (hg19) VCF-style: chr18-56274671-C-A.
Other names: short protein forms G37V.
Identifiers: ClinVar variation 3288738 (VCV003288738.1).

ClinVar aggregate classification (germline): Uncertain significance (1 of 4 stars; one submission).

Submission:

Ambry Genetics
Classification: Uncertain significance. Last evaluated: 2024-06-17. Review status: criteria provided, single submitter. Criteria: Ambry Variant Classification Scheme 2023. Collection method: clinical testing. Allele origin: germline.
Comment: The p.G37V variant (also known as c.110G>T) is located in coding exon 2 of the ALPK2 gene. The glycine at codon 37 is replaced by valine, an amino acid with dissimilar properties. This change occurs in the first base pair of coding exon 2. This amino acid position is conserved. In addition, the in silico prediction for this alteration is inconclusive. Based on the available evidence, the clinical significance of this variant remains unclear.